The following is an entry in ClinVar:

NM_005188.4(CBL):c.2569C>T (p.Leu857Phe)

Gene: CBL (Cbl proto-oncogene; plus strand). Cytogenetic location: 11q23.3.
Variant type: single nucleotide variant.
Coding change: c.2569C>T on transcript NM_005188.4 (MANE Select); coding-DNA position 2569, C replaced by T.
Protein change: p.Leu857Phe; replaces leucine 857 with phenylalanine.
Molecular consequence: missense variant.
Genome position (GRCh38, 1-based): chr11:119,299,629, C>T. VCF-style: chr11-119299629-C-T. GRCh37 (hg19) VCF-style: chr11-119170339-C-T.
Other names: short protein forms L857F.
Identifiers: ClinVar variation 302788 (VCV000302788.22), dbSNP rs201631570, ClinGen allele CA6318812.

ClinVar aggregate classification (germline): Benign/Likely benign. Review status: criteria provided, multiple submitters, no conflicts (2 of 4 stars). 7 submissions from 7 submitters: Benign (2); Likely benign (4). 1 of the submissions does not count toward it. Last evaluated 2025-09-14.

Conditions:
Noonan syndrome and Noonan-related syndrome. Identifiers: Orphanet 98733, MedGen C5681679, MONDO:0020297.
RASopathy. Also called: Noonan spectrum disorder; rasopathies. Identifiers: Orphanet 536391, MedGen C5555857, MONDO:0021060.
CBL-related disorder. Also called: NOONAN SYNDROME-LIKE DISORDER WITHOUT JUVENILE MYELOMONOCYTIC LEUKEMIA; CBL MUTATION-ASSOCIATED SYNDROME; CBL SYNDROME. Identifiers: Orphanet 363972, MedGen C3150803, MONDO:0013308, OMIM 613563.

Allele frequency attached by ClinVar (database versions not stated): gnomAD 0.00008 and 0.00009; TOPMed 0.00014; 1000 Genomes Project 30x 0.00016; gnomAD exomes 0.00017; 1000 Genomes Project 0.00020; ExAC 0.00021.
gnomAD v4.1: 55 of 1,614,242 alleles (0.0034%); highest among the groups gnomAD compares: East Asian, 0.11%; no homozygotes.

Submissions (7):

Labcorp Genetics (formerly Invitae), Labcorp
Classification: Likely benign for RASopathy. Last evaluated: 2025-09-14. Review status: criteria provided, single submitter. Criteria: Invitae Variant Classification Sherloc (09022015). Collection method: clinical testing. Allele origin: germline.

Blueprint Genetics
Classification: Likely benign. Last evaluated: 2024-03-18. Review status: criteria provided, single submitter. Criteria: ACMG Guidelines, 2015. Collection method: clinical testing. Allele origin: germline.

Women's Health and Genetics/Laboratory Corporation of America, LabCorp
Classification: Likely benign. Last evaluated: 2021-05-10. Review status: criteria provided, single submitter. Criteria: LabCorp Variant Classification Summary - May 2015. Collection method: clinical testing. Allele origin: germline.
Comment: Variant summary: CBL c.2569C>T (p.Leu857Phe) results in a non-conservative amino acid change located in the Ubiquitin-associated domain (IPR015940) of the encoded protein sequence. Four of five in-silico tools predict a damaging effect of the variant on protein function. The variant allele was found at a frequency of 0.00017 in 251474 control chromosomes, predominantly at a frequency of 0.0023 within the East Asian subpopulation in the gnomAD database. The observed variant frequency within East Asian control individuals in the gnomAD database is approximately 920-fold of the estimated maximal expected allele frequency for a pathogenic variant in CBL causing Noonan Syndrome And Related Conditions phenotype (2.5e-06), strongly suggesting that the variant is a benign polymorphism found primarily in populations of East Asian origin. c.2569C>T has been reported in the literature in an individual affected with myelodysplastic syndrome (Taguchi_2020). This report does not provide unequivocal conclusions about association of the variant with Noonan Syndrome And Related Conditions. To our knowledge, no experimental evidence demonstrating an impact on protein function has been reported. Two ClinVar submitters (evaluation after 2014) cite the variant as benign/likely benign. Based on the evidence outlined above, the variant was classified as likely benign.

Genome Diagnostics Laboratory, The Hospital for Sick Children
Classification: Likely benign for Noonan syndrome and Noonan-related syndrome. Last evaluated: 2020-05-01. Review status: criteria provided, single submitter. Criteria: ACMG Guidelines, 2015. Collection method: clinical testing. Allele origin: germline.

Genetic Services Laboratory, University of Chicago
Classification: Benign. Last evaluated: 2019-03-18. Review status: criteria provided, single submitter. Criteria: ACMG Guidelines, 2015. Collection method: clinical testing. Allele origin: germline. Affected: no.

Illumina Laboratory Services, Illumina
Classification: Benign for CBL-related disorder. Last evaluated: 2018-01-13. Review status: criteria provided, single submitter. Criteria: ICSL Variant Classification Criteria 13 December 2019. Collection method: clinical testing. Allele origin: germline.
Comment: This variant was observed in the ICSL laboratory as part of a predisposition screen in an ostensibly healthy population. It had not been previously curated by ICSL or reported in the Human Gene Mutation Database (HGMD: prior to June 1st, 2018), and was therefore a candidate for classification through an automated scoring system. Utilizing variant allele frequency, disease prevalence and penetrance estimates, and inheritance mode, an automated score was calculated to assess if this variant is too frequent to cause the disease. Based on the score and internal cut-off values, a variant classified as benign is not then subjected to further curation. The score for this variant resulted in a classification of benign for this disease.

PreventionGenetics, part of Exact Sciences
Classification: Likely benign for CBL-related condition. Last evaluated: 2022-01-17. Review status: no assertion criteria provided. Collection method: clinical testing. Allele origin: germline. Not counted in ClinVar's aggregate classification.
Comment: This variant is classified as likely benign based on ACMG/AMP sequence variant interpretation guidelines (Richards et al. 2015 PMID: 25741868, with internal and published modifications).

Literature cited by the submitters: PubMed 25224413 (cited by Women's Health and Genetics/Laboratory Corporation of America, LabCorp); PubMed 21828135 (cited by Women's Health and Genetics/Laboratory Corporation of America, LabCorp); PubMed 23690417 (cited by Women's Health and Genetics/Laboratory Corporation of America, LabCorp); PubMed 19387008 (cited by Women's Health and Genetics/Laboratory Corporation of America, LabCorp); PubMed 19901108 (cited by Women's Health and Genetics/Laboratory Corporation of America, LabCorp); PubMed 20951944 (cited by Women's Health and Genetics/Laboratory Corporation of America, LabCorp); PubMed 19620960 (cited by Women's Health and Genetics/Laboratory Corporation of America, LabCorp); PubMed 22733026 (cited by Women's Health and Genetics/Laboratory Corporation of America, LabCorp); PubMed 29296819 (cited by Women's Health and Genetics/Laboratory Corporation of America, LabCorp); PubMed 27069254 (cited by Women's Health and Genetics/Laboratory Corporation of America, LabCorp); PubMed 31101757 (cited by Women's Health and Genetics/Laboratory Corporation of America, LabCorp).